The following is an entry in ClinVar:

ClinVar aggregate classification (germline): Uncertain significance (1 of 4 stars; one submission).

Allele frequency attached by ClinVar (database versions not stated): gnomAD exomes 0.00006 and 0.00008; TOPMed 0.00006; ExAC 0.00007; gnomAD 0.00007; ESP Exome Variant Server 0.00015.
gnomAD v4.1: 124 of 1,610,076 alleles (0.0077%); highest among the groups gnomAD compares: Non-Finnish European, 0.0099%; no homozygotes.

Submission:

Labcorp Genetics (formerly Invitae), Labcorp
Classification: Uncertain significance. Last evaluated: 2025-07-07. Review status: criteria provided, single submitter. Criteria: Invitae Variant Classification Sherloc (09022015). Collection method: clinical testing. Allele origin: germline.
Comment: This sequence change replaces aspartic acid, which is acidic and polar, with glutamic acid, which is acidic and polar, at codon 991 of the DGKZ protein (p.Asp991Glu). This variant is present in population databases (rs142463622, gnomAD 0.02%). This variant has not been reported in the literature in individuals affected with DGKZ-related conditions. ClinVar contains an entry for this variant (Variation ID: 1491300). An algorithm developed to predict the effect of missense changes on protein structure and function (PolyPhen-2) suggests that this variant is likely to be disruptive. In summary, the available evidence is currently insufficient to determine the role of this variant in disease. Therefore, it has been classified as a Variant of Uncertain Significance.

NM_001199267.2(DGKZ):c.2406C>A (p.Asp802Glu)

Gene: DGKZ (diacylglycerol kinase zeta; plus strand). Cytogenetic location: 11p11.2.
Variant type: single nucleotide variant.
Coding change: c.2406C>A on transcript NM_001199267.2 (MANE Select); coding-DNA position 2406, C replaced by A.
Protein change: p.Asp802Glu; replaces aspartic acid 802 with glutamic acid.
Molecular consequence: missense variant.
Genome position (GRCh38, 1-based): chr11:46,378,491, C>A. VCF-style: chr11-46378491-C-A. GRCh37 (hg19) VCF-style: chr11-46400041-C-A.
Other names: c.2973C>A, p.Asp991Glu (NM_001105540.2); c.2409C>A, p.Asp803Glu (NM_001199266.2, NM_003646.4); c.2340C>A, p.Asp780Glu (NM_001199268.2); c.2457C>A, p.Asp819Glu (NM_201532.3); c.2421C>A, p.Asp807Glu (NM_201533.3); short protein forms D991E, D780E, D803E, D802E, D807E, D819E.
Identifiers: ClinVar variation 1491300 (VCV001491300.6), dbSNP rs142463622, ClinGen allele CA5963229.